The following is an entry in ClinVar:

ClinVar aggregate classification (germline): Uncertain significance (1 of 4 stars; one submission).

Submission:

GeneDx
Classification: Uncertain significance. Last evaluated: 2025-03-04. Review status: criteria provided, single submitter. Criteria: GeneDx Variant Classification Process June 2021. Collection method: clinical testing. Allele origin: germline. Affected: yes.
Comment: Not observed at significant frequency in large population cohorts (gnomAD); In silico analysis indicates that this missense variant does not alter protein structure/function; Has not been previously published as pathogenic or benign to our knowledge

NM_006445.4(PRPF8):c.6812T>A (p.Phe2271Tyr)

Gene: PRPF8 (pre-mRNA processing factor 8; minus strand). Cytogenetic location: 17p13.3.
Variant type: single nucleotide variant.
Coding change: c.6812T>A on transcript NM_006445.4 (MANE Select); coding-DNA position 6812, T replaced by A.
Protein change: p.Phe2271Tyr; replaces phenylalanine 2271 with tyrosine.
Molecular consequence: missense variant.
Genome position (GRCh38, 1-based): chr17:1,651,149, A>T on the plus strand (T>A on the coding strand, the complement: PRPF8 is on the minus strand). VCF-style: chr17-1651149-A-T. GRCh37 (hg19) VCF-style: chr17-1554443-A-T.
Other names: short protein forms F2271Y.
Identifiers: ClinVar variation 3600558 (VCV003600558.2).